The following is an entry in ClinVar:

NM_001082971.2(DDC):c.1435A>G (p.Arg479Gly)

Gene: DDC (dopa decarboxylase; minus strand). Cytogenetic location: 7p12.2.
Variant type: single nucleotide variant.
Coding change: c.1435A>G on transcript NM_001082971.2 (MANE Select); coding-DNA position 1435, A replaced by G.
Protein change: p.Arg479Gly; replaces arginine 479 with glycine.
Molecular consequence: missense variant.
Genome position (GRCh38, 1-based): chr7:50,463,239, T>C on the plus strand (A>G on the coding strand, the complement: DDC is on the minus strand). VCF-style: chr7-50463239-T-C. GRCh37 (hg19) VCF-style: chr7-50530937-T-C.
Other names: p.Arg479Gly; c.1435A>G, p.Arg479Gly (NM_000790.4); c.1321A>G, p.Arg441Gly (NM_001242886.2); c.1291A>G, p.Arg431Gly (NM_001242887.2); c.1201A>G, p.Arg401Gly (NM_001242888.2); c.1156A>G, p.Arg386Gly (NM_001242889.2); c.1435A>G (NM_000790.3); short protein forms R386G, R401G, R431G, R441G, R479G.
Identifiers: ClinVar variation 1115481 (VCV001115481.15), dbSNP rs200450773, ClinGen allele CA4261965.
Genomic context (GRCh38, chr7:50,463,239, plus strand): 5'-GAGACAGGCAGAAAATGAGCCCAGGGCAGCCTACCTGCAGCTGGCTTCACTCCTACTCCC[T>C]CTCTGCTCGCAGCACGTCGGCCGCCAGCTCTTTGATGTGTTCCCAGGCCCGCTGCACATG-3'
Protein context (NP_001076440.2, residues 469-480): ELAADVLRAE[Arg479Gly]E

ClinVar aggregate classification (germline): Conflicting classifications of pathogenicity. Review status: criteria provided, conflicting classifications (1 of 4 stars). 7 submissions from 7 submitters: Uncertain significance (2); Likely benign (3). 2 of the submissions do not count toward it. Last evaluated 2026-01-26.

Conditions:
Global developmental delay (DD). Also called: Cognitive delay. Identifiers: MedGen C0557874, HP:0001263. Disease mechanism: loss of function.
DDC-related disorder. Also called: DDC-related condition.
Deficiency of aromatic-L-amino-acid decarboxylase. Also called: AADC DEFICIENCY; Aromatic L-Amino Acid Decarboxylase Deficiency; Aromatic amino acid decarboxylase deficiency; DDC DEFICIENCY; DOPA DECARBOXYLASE DEFICIENCY. Identifiers: Orphanet 35708, MedGen C1291564, MONDO:0012084, OMIM 608643.
Inborn genetic diseases. Identifiers: MedGen C0950123, MeSH D030342.

Allele frequency attached by ClinVar (database versions not stated): gnomAD exomes 0.00012 and 0.00029; gnomAD 0.00015 and 0.00016; 1000 Genomes Project 30x 0.00016; TOPMed 0.00017; 1000 Genomes Project 0.00020; ExAC 0.00029; ESP Exome Variant Server 0.00031.
gnomAD v4.1: 217 of 1,612,108 alleles (0.013%); highest among the groups gnomAD compares: Admixed American, 0.017%; no homozygotes.

Submissions (7):

Labcorp Genetics (formerly Invitae), Labcorp
Classification: Likely benign for Deficiency of aromatic-L-amino-acid decarboxylase. Last evaluated: 2026-01-26. Review status: criteria provided, single submitter. Criteria: Invitae Variant Classification Sherloc (09022015). Collection method: clinical testing. Allele origin: germline.

Mayo Clinic Laboratories, Mayo Clinic
Classification: Likely benign. Last evaluated: 2025-10-09. Review status: criteria provided, single submitter. Criteria: ACMG Guidelines, 2015. Collection method: clinical testing. Allele origin: germline. Observed: 3 variant alleles.
Comment: BS1, BP4

GeneDx
Classification: Uncertain significance. Last evaluated: 2025-08-13. Review status: criteria provided, single submitter. Criteria: GeneDx Variant Classification Process June 2021. Collection method: clinical testing. Allele origin: germline. Affected: yes.
Comment: In silico analysis suggests that this missense variant does not alter protein structure/function; Has not been previously published as pathogenic or benign in association with a DDC-related disorder to our knowledge; This variant is associated with the following publications: (PMID: 36427457)

Ambry Genetics
Classification: Likely benign for Inborn genetic diseases. Last evaluated: 2022-05-04. Review status: criteria provided, single submitter. Criteria: Ambry Variant Classification Scheme 2023. Collection method: clinical testing. Allele origin: germline.

Department of Pathology and Laboratory Medicine, Sinai Health System
Classification: Uncertain significance for aromatic L-amino acid decarboxylase deficiency. Last evaluated: 2020-08-20. Review status: criteria provided, single submitter. Criteria: ACMG Guidelines, 2015. Collection method: research. Allele origin: germline.

Centre de Biologie Pathologie Génétique, Centre Hospitalier Universitaire de Lille
Classification: Uncertain significance for Global developmental delay. Last evaluated: 2020-01-01. Review status: no assertion criteria provided. Collection method: clinical testing. Allele origin: germline. Affected: yes. Not counted in ClinVar's aggregate classification.

PreventionGenetics, part of Exact Sciences
Classification: Likely benign for DDC-related condition. Last evaluated: 2019-05-06. Review status: no assertion criteria provided. Collection method: clinical testing. Allele origin: germline. Not counted in ClinVar's aggregate classification.
Comment: This variant is classified as likely benign based on ACMG/AMP sequence variant interpretation guidelines (Richards et al. 2015 PMID: 25741868, with internal and published modifications).

Literature cited by the submitters: PubMed 36427457 (cited by Mayo Clinic Laboratories, Mayo Clinic).